The following is an entry in ClinVar:

ClinVar aggregate classification (germline): Uncertain significance (1 of 4 stars; one submission).

Submission:

Labcorp Genetics (formerly Invitae), Labcorp
Classification: Uncertain significance. Last evaluated: 2026-01-24. Review status: criteria provided, single submitter. Criteria: Invitae Variant Classification Sherloc (09022015). Collection method: clinical testing. Allele origin: germline.
Comment: This sequence change replaces aspartic acid, which is acidic and polar, with glycine, which is neutral and non-polar, at codon 236 of the MCM2 protein (p.Asp236Gly). This variant is not present in population databases (gnomAD no frequency). This variant has not been reported in the literature in individuals affected with MCM2-related conditions. Invitae Evidence Modeling of protein sequence and biophysical properties (such as structural, functional, and spatial information, amino acid conservation, physicochemical variation, residue mobility, and thermodynamic stability) indicates that this missense variant is not expected to disrupt MCM2 protein function with a negative predictive value of 80%. In summary, the available evidence is currently insufficient to determine the role of this variant in disease. Therefore, it has been classified as a Variant of Uncertain Significance.

NM_004526.4(MCM2):c.707A>G (p.Asp236Gly)

Gene: MCM2 (minichromosome maintenance complex component 2; plus strand). Cytogenetic location: 3q21.3.
Variant type: single nucleotide variant.
Coding change: c.707A>G on transcript NM_004526.4 (MANE Select); coding-DNA position 707, A replaced by G.
Protein change: p.Asp236Gly; replaces aspartic acid 236 with glycine.
Molecular consequence: missense variant. On other transcripts: non-coding transcript variant (1).
Genome position (GRCh38, 1-based): chr3:127,606,151, A>G. VCF-style: chr3-127606151-A-G. GRCh37 (hg19) VCF-style: chr3-127324994-A-G.
Other names: short protein forms D236G.
Identifiers: ClinVar variation 4746399 (VCV004746399.1).
Genomic context (GRCh38, chr3:127,606,151, plus strand): 5'-CTCTCTTCCCACTGTGCCCCCTTCTAGAGAACCGTGAGAGCCTGGTGGTGAACTATGAGG[A>G]CTTGGCAGCCAGGGAGCACGTGCTGGCCTACTTCCTGCCTGAGGCACCGGCGGAGCTGCT-3'
Protein context (NP_004517.2, residues 226-246): NRESLVVNYE[Asp236Gly]LAAREHVLAY